The following is an entry in ClinVar:

NC_000009.12:g.35657977T>A

Gene: RMRP (RNA component of mitochondrial RNA processing endoribonuclease; minus strand). Cytogenetic location: 9p13.3.
Variant type: single nucleotide variant.
Genome position: GRCh38 VCF-style: chr9-35657977-T-A. GRCh37 (hg19) VCF-style: chr9-35657974-T-A.
Identifiers: ClinVar variation 1989103 (VCV001989103.4), dbSNP rs928731584, ClinGen allele CA464450981.

ClinVar aggregate classification (germline): Uncertain significance (1 of 4 stars; one submission).

Conditions:
Anauxetic dysplasia. Identifiers: Orphanet 93347, MedGen C1846796, MONDO:0011773.

Submission:

Labcorp Genetics (formerly Invitae), Labcorp
Classification: Uncertain significance for Anauxetic dysplasia. Last evaluated: 2022-08-08. Review status: criteria provided, single submitter. Criteria: Invitae Variant Classification Sherloc (09022015). Collection method: clinical testing. Allele origin: germline.
Comment: In summary, the available evidence is currently insufficient to determine the role of this variant in disease. Therefore, it has been classified as a Variant of Uncertain Significance. Algorithms developed to predict the effect of sequence changes on RNA splicing suggest that this variant may create or strengthen a splice site. This variant has not been reported in the literature in individuals affected with RMRP-related conditions. This variant is not present in population databases (gnomAD no frequency). This variant occurs in the RMRP gene, which encodes an RNA molecule that does not result in a protein product.